The following is an entry in ClinVar:

NM_001035.3(RYR2):c.7367T>A (p.Met2456Lys)

Gene: RYR2 (ryanodine receptor 2; plus strand). Cytogenetic location: 1q43.
Variant type: single nucleotide variant.
Coding change: c.7367T>A on transcript NM_001035.3 (MANE Select); coding-DNA position 7367, T replaced by A.
Protein change: p.Met2456Lys; replaces methionine 2456 with lysine.
Molecular consequence: missense variant.
Genome position (GRCh38, 1-based): chr1:237,648,468, T>A. VCF-style: chr1-237648468-T-A. GRCh37 (hg19) VCF-style: chr1-237811768-T-A.
Other names: c.7367T>A (NM_001035.2); short protein forms M2456K.
Identifiers: ClinVar variation 2774327 (VCV002774327.4), dbSNP rs1477545005, ClinGen allele CA345398052.

ClinVar aggregate classification (germline): Uncertain significance. Review status: criteria provided, multiple submitters, no conflicts (2 of 4 stars). 2 submissions from 2 submitters: Uncertain significance (2). Last evaluated 2025-05-19.

Conditions:
Cardiomyopathy (CMYO). Also called: Cardiomyopathies. Identifiers: Orphanet 167848, MedGen C0878544, MONDO:0004994, HP:0001638. Inheritance: Various modes of inheritance.
Cardiovascular phenotype. Identifiers: MedGen CN230736.

Allele frequency attached by ClinVar (database versions not stated): TOPMed below 0.00001; gnomAD 0.00001; gnomAD exomes 0.00001.
gnomAD v4.1: 19 of 1,609,562 alleles (0.0012%); highest among the groups gnomAD compares: Non-Finnish European, 0.0015%; no homozygotes.

Submissions (2):

Ambry Genetics
Classification: Uncertain significance for Cardiovascular phenotype. Last evaluated: 2025-05-19. Review status: criteria provided, single submitter. Criteria: Ambry Variant Classification Scheme 2023. Collection method: clinical testing. Allele origin: germline.
Comment: The p.M2456K variant (also known as c.7367T>A), located in coding exon 49 of the RYR2 gene, results from a T to A substitution at nucleotide position 7367. The methionine at codon 2456 is replaced by lysine, an amino acid with similar properties. This amino acid position is highly conserved in available vertebrate species. In addition, this alteration is predicted to be deleterious by in silico analysis. Since supporting evidence is limited at this time, the clinical significance of this alteration remains unclear.

Color Diagnostics, LLC DBA Color Health
Classification: Uncertain significance for Cardiomyopathy. Last evaluated: 2024-03-07. Review status: criteria provided, single submitter. Criteria: ACMG Guidelines, 2015. Collection method: clinical testing. Allele origin: germline.
Comment: This missense variant replaces methionine with lysine at codon 2456 of the RYR2 protein. Computational prediction suggests that this variant may have deleterious impact on protein structure and function (internally defined REVEL score threshold >= 0.7, PMID: 27666373). To our knowledge, functional studies have not been reported for this variant. This variant has not been reported in individuals affected with cardiovascular disorders in the literature. This variant has been identified in 2/242862 chromosomes in the general population by the Genome Aggregation Database (gnomAD). The available evidence is insufficient to determine the role of this variant in disease conclusively. Therefore, this variant is classified as a Variant of Uncertain Significance.